The following is an entry in ClinVar:

ClinVar aggregate classification (germline): Likely benign (1 of 4 stars; one submission).

Conditions:
ADCY3-related disorder. Also called: ADCY3-related condition.

gnomAD v4.1: 17 of 1,611,978 alleles (0.0011%); highest among the groups gnomAD compares: Non-Finnish European, 0.0014%; no homozygotes.

Submission:

PreventionGenetics, part of Exact Sciences
Classification: Likely benign for ADCY3-related condition. Last evaluated: 2025-04-09. Review status: criteria provided, single submitter. Criteria: ACMG Guidelines, 2015. Collection method: clinical testing. Allele origin: germline.
Comment: This variant is classified as likely benign based on ACMG/AMP sequence variant interpretation guidelines (Richards et al. 2015 PMID: 25741868, with internal and published modifications).

NM_004036.5(ADCY3):c.60C>T (p.Tyr20=)

Gene: ADCY3 (adenylate cyclase 3; minus strand). Cytogenetic location: 2p23.3.
Variant type: single nucleotide variant.
Coding change: c.60C>T on transcript NM_004036.5 (MANE Select); coding-DNA position 60, C replaced by T.
Protein change: p.Tyr20=; no amino-acid change (tyrosine 20 retained).
Molecular consequence: synonymous variant.
Genome position (GRCh38, 1-based): chr2:24,918,928, G>A on the plus strand (C>T on the coding strand, the complement: ADCY3 is on the minus strand). VCF-style: chr2-24918928-G-A. GRCh37 (hg19) VCF-style: chr2-25141797-G-A.
Other names: c.60C>T, p.Tyr20= (NM_001320613.2, NM_001377128.1, NM_001377129.1 and 2 more transcripts).
Identifiers: ClinVar variation 4978142 (VCV004978142.1).